The following is an entry in ClinVar:

NM_000548.5(TSC2):c.5249T>C (p.Leu1750Pro)

Gene: TSC2 (TSC complex subunit 2; plus strand). Cytogenetic location: 16p13.3.
Variant type: single nucleotide variant.
Coding change: c.5249T>C on transcript NM_000548.5 (MANE Select); coding-DNA position 5249, T replaced by C.
Protein change: p.Leu1750Pro; replaces leucine 1750 with proline.
Molecular consequence: missense variant.
Genome position (GRCh38, 1-based): chr16:2,088,315, T>C. VCF-style: chr16-2088315-T-C. GRCh37 (hg19) VCF-style: chr16-2138316-T-C.
Other names: c.5048T>C, p.Leu1683Pro (NM_001077183.3); c.5180T>C, p.Leu1727Pro (NM_001114382.3); c.4940T>C, p.Leu1647Pro (NM_001318827.2); c.4904T>C, p.Leu1635Pro (NM_001318829.2); c.4517T>C, p.Leu1506Pro (NM_001318831.2); c.5081T>C, p.Leu1694Pro (NM_001318832.2); c.5051T>C, p.Leu1684Pro (NM_001363528.2); c.5117T>C, p.Leu1706Pro (NM_001370404.1); and 2 more; short protein forms L1750P, L1506P, L1647P, L1694P, L1727P, L1635P, L1683P, L1684P.
Identifiers: ClinVar variation 65296 (VCV000065296.3), dbSNP rs397515217, ClinGen allele CA022298.

ClinVar aggregate classification (germline): Pathogenic. Review status: criteria provided, single submitter (1 of 4 stars). 2 submissions from 2 submitters: Pathogenic (1). 1 of the submissions does not count toward it. Last evaluated 2026-07-10.

Conditions:
Hereditary cancer-predisposing syndrome. Also called: Neoplastic Syndromes, Hereditary; Hereditary neoplastic syndrome; Hereditary Cancer Syndrome; Tumor predisposition. Identifiers: Orphanet 140162, MedGen C0027672, MeSH D009386, MONDO:0015356.
Tuberous sclerosis syndrome (TSC). Also called: Tuberous Sclerosis Complex; Tuberous sclerosis. Identifiers: Orphanet 805, MedGen C0041341, MONDO:0001734.

Submissions (2):

Ambry Genetics
Classification: Pathogenic for Hereditary cancer-predisposing syndrome. Last evaluated: 2026-07-10. Review status: criteria provided, single submitter. Criteria: Ambry Variant Classification Scheme 2023. Collection method: clinical testing. Allele origin: germline.
Comment: The c.5249T>C (p.L1750P) alteration is located in exon 41 (coding exon 40) of the TSC2 gene. This alteration results from a T to C substitution at nucleotide position 5249, causing the leucine (L) at amino acid position 1750 to be replaced by a proline (P). This variant was not reported in population-based cohorts in the Genome Aggregation Database (gnomAD). This variant was reported in individual(s) with features consistent with tuberous sclerosis complex (Sancak, 2005; Peron, 2018; Luo, 2022). This amino acid position is not well conserved in available vertebrate species. This alteration is predicted to be deleterious by in silico analysis. Based on the available evidence, this alteration is classified as pathogenic.

Tuberous sclerosis database (TSC2)
No classification provided. Condition: TSC. Review status: no classification provided. Criteria: Tuberous Sclerosis Database Assertion Criteria 2015. Collection method: curation. Allele origin: germline. Affected: yes. Not counted in ClinVar's aggregate classification.

Literature cited by the submitters: PubMed 15798777 (cited by Ambry Genetics); PubMed 29432982 (cited by Ambry Genetics); PubMed 35870981 (cited by Ambry Genetics).